The following is an entry in ClinVar:

ClinVar aggregate classification (germline): Benign/Likely benign. Review status: criteria provided, multiple submitters, no conflicts (2 of 4 stars). 13 submissions from 13 submitters: Benign (5); Likely benign (6). 2 of the submissions do not count toward it. Last evaluated 2026-09-01.

Conditions:
Cardiovascular phenotype. Identifiers: MedGen CN230736.
Ehlers-Danlos syndrome (EDS). Identifiers: Orphanet 98249, MedGen C0013720, MONDO:0020066.
Brittle cornea syndrome 1 (BCS1). Also called: DYSGENESIS MESODERMALIS CORNEAE ET SCLERAE; Corneal fragility keratoglobus, blue sclerae AND joint hypermobility; CORNEAL FRAGILITY, KERATOGLOBUS, BLUE SCLERAE, JOINT HYPEREXTENSIBILITY; EDS6B; FRAGILITAS OCULI WITH JOINT HYPEREXTENSIBILITY. Identifiers: Orphanet 90354, MedGen C0268344, MONDO:0024543, OMIM 229200.

Allele frequency attached by ClinVar (database versions not stated): 1000 Genomes Project 0.00160; ExAC 0.00264; gnomAD exomes 0.00365 and 0.00648; TOPMed 0.00368; gnomAD 0.00389 and 0.00403; 1000 Genomes Project 30x 0.00125.
gnomAD v4.1: 9,628 of 1,550,324 alleles (0.62%); highest among the groups gnomAD compares: Non-Finnish European, 0.76%; 45 homozygotes.

Submissions (13):

CeGaT Center for Human Genetics Tuebingen
Classification: Likely benign. Last evaluated: 2026-09-01. Review status: criteria provided, single submitter. Criteria: CeGaT Center For Human Genetics Tuebingen Variant Classification Criteria Version 2. Collection method: clinical testing. Allele origin: germline. Affected: yes. Observed: 23 variant alleles.
Comment: ZNF469: BP4, BS2

Women's Health and Genetics/Laboratory Corporation of America, LabCorp
Classification: Likely benign. Last evaluated: 2026-04-01. Review status: criteria provided, single submitter. Criteria: LabCorp Variant Classification Summary - May 2015. Collection method: clinical testing. Allele origin: germline.
Comment: Variant summary: ZNF469 c.7675A>G (p.Lys2559Glu) results in a conservative amino acid change in the encoded protein sequence. Algorithms developed to predict the effect of missense changes on protein structure and function are either unavailable or do not agree on the potential impact of this missense change. The variant allele was found at a frequency of 0.0036 in 153728 control chromosomes, predominantly at a frequency of 0.0066 within the Non-Finnish European subpopulation in the gnomAD database, including 1 homozygotes. The observed variant frequency within Non-Finnish European control individuals in the gnomAD database exceeds the estimated maximal expected allele frequency for disease-causing variants in ZNF469. To our knowledge, no occurrence of c.7675A>G in individuals affected with ZNF469-related conditions and no experimental evidence demonstrating its impact on protein function have been reported. ClinVar contains an entry for this variant (Variation ID: 386530). Based on the evidence outlined above, the variant was classified as likely benign.

Labcorp Genetics (formerly Invitae), Labcorp
Classification: Likely benign. Last evaluated: 2026-02-01. Review status: criteria provided, single submitter. Criteria: Invitae Variant Classification Sherloc (09022015). Collection method: clinical testing. Allele origin: germline.

Blueprint Genetics
Classification: Likely benign. Last evaluated: 2024-11-26. Review status: criteria provided, single submitter. Criteria: ACMG Guidelines, 2015. Collection method: clinical testing. Allele origin: germline.

Mayo Clinic Laboratories, Mayo Clinic
Classification: Benign. Last evaluated: 2023-03-01. Review status: criteria provided, single submitter. Criteria: ACMG Guidelines, 2015. Collection method: clinical testing. Allele origin: germline. Observed: 38 variant alleles.
Comment: BS1, BP4

Genome Diagnostics Laboratory, The Hospital for Sick Children
Classification: Likely benign for Ehlers-Danlos syndrome. Last evaluated: 2022-02-23. Review status: criteria provided, single submitter. Criteria: ACMG Guidelines, 2015. Collection method: clinical testing. Allele origin: germline.

Genome-Nilou Lab
Classification: Benign for Brittle cornea syndrome 1. Last evaluated: 2021-12-05. Review status: criteria provided, single submitter. Criteria: ACMG Guidelines, 2015. Collection method: clinical testing. Allele origin: germline. Affected: no.

GeneDx
Classification: Benign. Last evaluated: 2019-09-18. Review status: criteria provided, single submitter. Criteria: GeneDx Variant Classification Process June 2021. Collection method: clinical testing. Allele origin: germline. Affected: yes.
Comment: This variant is associated with the following publications: (PMID: 24895405)

Ambry Genetics
Classification: Benign for Cardiovascular phenotype. Last evaluated: 2019-03-01. Review status: criteria provided, single submitter. Criteria: Ambry Variant Classification Scheme 2023. Collection method: clinical testing. Allele origin: germline.

Eurofins Ntd Llc (ga)
Classification: Benign. Last evaluated: 2016-12-20. Review status: criteria provided, single submitter. Criteria: EGL Classification Definitions 2015. Collection method: clinical testing. Allele origin: germline. Observed: 1 variant allele, 1 heterozygote.

Breakthrough Genomics
Classification: Likely benign. Review status: criteria provided, single submitter. Criteria: ACMG Guidelines, 2015. Collection method: not provided. Allele origin: germline. Inheritance: Autosomal recessive inheritance. Affected: yes.

Clinical Genetics DNA and cytogenetics Diagnostics Lab, Erasmus MC, Erasmus Medical Center
Classification: Likely benign. Review status: no assertion criteria provided. Collection method: clinical testing. Allele origin: germline. Affected: yes. Study: VKGL Data-share Consensus. Not counted in ClinVar's aggregate classification.

Genome Diagnostics Laboratory, Amsterdam University Medical Center
Classification: Benign. Review status: no assertion criteria provided. Collection method: clinical testing. Allele origin: germline. Affected: yes. Study: VKGL Data-share Consensus. Not counted in ClinVar's aggregate classification.

NM_001367624.2(ZNF469):c.7675A>G (p.Lys2559Glu)

Gene: ZNF469 (zinc finger protein 469; plus strand). Cytogenetic location: 16q24.2.
Variant type: single nucleotide variant.
Coding change: c.7675A>G on transcript NM_001367624.2 (MANE Select); coding-DNA position 7675, A replaced by G.
Protein change: p.Lys2559Glu; replaces lysine 2559 with glutamic acid.
Molecular consequence: missense variant.
Genome position (GRCh38, 1-based): chr16:88,435,145, A>G. VCF-style: chr16-88435145-A-G. GRCh37 (hg19) VCF-style: chr16-88501553-A-G.
Other names: NM_001127464.1:c.7591A>G; NM_001127464.2:c.7591A>G; p.Lys2559Glu; short protein forms K2559E.
Identifiers: ClinVar variation 386530 (VCV000386530.64), dbSNP rs146789160, ClinGen allele CA8225274.